The following is an entry in ClinVar:

ClinVar aggregate classification (germline): Conflicting classifications of pathogenicity. Review status: criteria provided, conflicting classifications (1 of 4 stars). 14 submissions from 11 submitters: Uncertain significance (13); Likely benign (1). Last evaluated 2026-07-22.

Conditions:
Pheochromocytoma. Also called: MAX-Related Hereditary Paraganglioma-Pheochromocytoma Syndrome. Identifiers: Orphanet 29072, MedGen C0031511, MONDO:0008233, OMIM 171300, HP:0002666.
Hirschsprung disease, susceptibility to, 1 (HSCR1). Also called: RET-Related Hirschsprung Disease. Identifiers: Orphanet 388, MedGen C3888239, MONDO:0007723, OMIM 142623.
Familial medullary thyroid carcinoma (MTC). Also called: Thyroid cancer, familial medullary; MTC, familial; Familial Medullary Thyroid Carcinoma (FMTC). Identifiers: Orphanet 653, Orphanet 99361, MedGen C1833921, MONDO:0007958, OMIM 155240.
Multiple endocrine neoplasia type 2B. Also called: WAGENMANN-FROBOESE SYNDROME; MULTIPLE ENDOCRINE NEOPLASIA, TYPE III; MEN 2B; MUCOSAL NEUROMA SYNDROME; MULTIPLE ENDOCRINE NEOPLASIA, TYPE IIB; MEN IIB. Identifiers: Orphanet 247709, Orphanet 653, MedGen C0025269, MeSH D018814, MONDO:0008082, OMIM 162300.
Multiple endocrine neoplasia type 2A. Also called: MULTIPLE ENDOCRINE NEOPLASIA, TYPE IIA; PTC SYNDROME; SIPPLE SYNDROME; MEN 2A; MEN-2A syndrome; Pheochromocytoma and amyloid producing medullary thyroid carcinoma. Identifiers: Orphanet 247698, Orphanet 653, MedGen C0025268, MeSH D018813, MONDO:0008234, OMIM 171400.
Multiple endocrine neoplasia. Identifiers: Orphanet 276161, MedGen C0027662, MONDO:0017169.
RET-related disorder. Also called: RET-related disorders; RET-related condition; RET-related disease.
Hereditary cancer-predisposing syndrome. Also called: Tumor predisposition; Hereditary neoplastic syndrome; Neoplastic Syndromes, Hereditary; Hereditary Cancer Syndrome. Identifiers: Orphanet 140162, MedGen C0027672, MeSH D009386, MONDO:0015356.
Multiple endocrine neoplasia, type 2 (MEN2). Identifiers: Orphanet 653, MedGen C4048306, MONDO:0019003. Disease mechanism: gain of function.
Renal hypodysplasia/aplasia 1 (RHDA1). Also called: HEREDITARY RENAL APLASIA; RENAL APLASIA. Identifiers: Orphanet 411709, MedGen C1619700, MONDO:0024519, OMIM 191830.

Allele frequency attached by ClinVar (database versions not stated): gnomAD 0.00001; ExAC 0.00002; gnomAD exomes 0.00002; TOPMed 0.00004.
gnomAD v4.1: 28 of 1,613,600 alleles (0.0017%); highest among the groups gnomAD compares: Admixed American, 0.018%; no homozygotes.

Submissions (14):

PreventionGenetics, part of Exact Sciences
Classification: Uncertain significance for RET-related condition. Last evaluated: 2026-07-22. Review status: criteria provided, single submitter. Criteria: ACMG Guidelines, 2015. Collection method: clinical testing. Allele origin: germline.
Comment: The RET c.1462A>T variant is predicted to result in the amino acid substitution p.Thr488Ser. To our knowledge, this variant has not been reported in the literature. It is reported in 0.011% of alleles in individuals of Latino descent in gnomAD and has conflicting interpretations in ClinVar ranging from likely benign to uncertain (Variation ID: 241336). Although we suspect that this variant may be benign, at this time, the clinical significance of this variant is uncertain due to the absence of conclusive functional and genetic evidence.

Dasa
Classification: Uncertain significance for Multiple endocrine neoplasia type 2A. Last evaluated: 2025-12-26. Review status: criteria provided, single submitter. Criteria: DASA Assertion Criteria. Collection method: clinical testing. Allele origin: germline.
Comment: NM_020975.6(RET):c.1462A>T (p.Thr488Ser) is a missense variant that results in the substitution of threonine with serine. This variant is rare in population databases. The currently available literature and clinical evidence are not sufficient to establish a definitive association between this variant and the reported condition. Therefore, this variant is classified as a variant of uncertain significance.

Center for Genomic Medicine, Rigshospitalet, Copenhagen University Hospital
Classification: Uncertain significance. Last evaluated: 2025-03-04. Review status: criteria provided, single submitter. Criteria: ACMG Guidelines, 2015. Collection method: clinical testing. Allele origin: germline.

Labcorp Genetics (formerly Invitae), Labcorp
Classification: Uncertain significance for Multiple endocrine neoplasia, type 2. Last evaluated: 2025-02-02. Review status: criteria provided, single submitter. Criteria: Invitae Variant Classification Sherloc (09022015). Collection method: clinical testing. Allele origin: germline.
Comment: This sequence change replaces threonine, which is neutral and polar, with serine, which is neutral and polar, at codon 488 of the RET protein (p.Thr488Ser). This variant is present in population databases (rs753733901, gnomAD 0.01%). This variant has not been reported in the literature in individuals affected with RET-related conditions. ClinVar contains an entry for this variant (Variation ID: 241336). An algorithm developed to predict the effect of missense changes on protein structure and function outputs the following: PolyPhen-2: "Benign". The serine amino acid residue is found in multiple mammalian species, which suggests that this missense change does not adversely affect protein function. In summary, the available evidence is currently insufficient to determine the role of this variant in disease. Therefore, it has been classified as a Variant of Uncertain Significance.

Quest Diagnostics Nichols Institute San Juan Capistrano
Classification: Uncertain significance. Last evaluated: 2024-10-11. Review status: criteria provided, single submitter. Criteria: Quest Diagnostics criteria. Collection method: clinical testing. Allele origin: unknown.
Comment: The RET c.1462A>T (p.Thr488Ser) variant has not been reported in individuals with RET-related conditions in the published literature. The frequency of this variant in the general population, 0.00011 (4/35420 chromosomes (Genome Aggregation Database)), is uninformative in the assessment of its pathogenicity. Analysis of this variant using bioinformatics tools for the prediction of the effect of amino acid changes on protein structure and function yielded predictions that this variant is benign. Based on the available information, we are unable to determine the clinical significance of this variant.

Color Diagnostics, LLC DBA Color Health
Classification: Uncertain significance for Multiple endocrine neoplasia, type 2. Last evaluated: 2023-09-20. Review status: criteria provided, single submitter. Criteria: ACMG Guidelines, 2015. Collection method: clinical testing. Allele origin: germline.
Comment: This missense variant replaces threonine with serine at codon 488 of the RET protein. Computational prediction suggests that this variant may not impact protein structure and function. To our knowledge, functional studies have not been reported for this variant. This variant has not been reported in individuals affected with RET-related disorders in the literature, but has been reported in an unaffected individual (PMID: 25425582). This variant has been identified in 6/282434 chromosomes in the general population by the Genome Aggregation Database (gnomAD). The available evidence is insufficient to determine the role of this variant in disease conclusively. Therefore, this variant is classified as a Variant of Uncertain Significance.

Ambry Genetics
Classification: Likely benign for Hereditary cancer-predisposing syndrome. Last evaluated: 2023-07-10. Review status: criteria provided, single submitter. Criteria: Ambry Variant Classification Scheme 2023. Collection method: clinical testing. Allele origin: germline.

Department of Pathology and Laboratory Medicine, Sinai Health System
Classification: Uncertain significance for Hirschsprung disease, susceptibility to, 1; Familial medullary thyroid carcinoma; Multiple endocrine neoplasia type 2B; Pheochromocytoma; Multiple endocrine neoplasia type 2A. Last evaluated: 2022-07-12. Review status: criteria provided, single submitter. Criteria: ACMG Guidelines, 2015. Collection method: clinical testing. Allele origin: germline. Affected: yes.

GeneDx
Classification: Uncertain significance. Last evaluated: 2020-07-28. Review status: criteria provided, single submitter. Criteria: GeneDx Variant Classification Process June 2021. Collection method: clinical testing. Allele origin: germline. Affected: yes.
Comment: In silico analysis supports that this missense variant does not alter protein structure/function; Has not been previously published as pathogenic or benign to our knowledge; This variant is associated with the following publications: (PMID: 25425582)

Mendelics
Classification: Uncertain significance for Multiple endocrine neoplasia, type 2a. Last evaluated: 2018-07-02. Review status: criteria provided, single submitter. Criteria: Mendelics Assertion Criteria 2017. Collection method: clinical testing. Allele origin: unknown.

Illumina Laboratory Services, Illumina
Classification: Uncertain significance for Renal hypodysplasia/aplasia 1. Last evaluated: 2018-01-13. Review status: criteria provided, single submitter. Criteria: ICSL Variant Classification Criteria 13 December 2019. Collection method: clinical testing. Allele origin: germline.

Illumina Laboratory Services, Illumina
Classification: Uncertain significance for Pheochromocytoma. Last evaluated: 2018-01-13. Review status: criteria provided, single submitter. Criteria: ICSL Variant Classification Criteria 13 December 2019. Collection method: clinical testing. Allele origin: germline.

Illumina Laboratory Services, Illumina
Classification: Uncertain significance for Hirschsprung disease, susceptibility to, 1. Last evaluated: 2018-01-13. Review status: criteria provided, single submitter. Criteria: ICSL Variant Classification Criteria 13 December 2019. Collection method: clinical testing. Allele origin: germline.

Illumina Laboratory Services, Illumina
Classification: Uncertain significance for Multiple endocrine neoplasia. Last evaluated: 2018-01-13. Review status: criteria provided, single submitter. Criteria: ICSL Variant Classification Criteria 13 December 2019. Collection method: clinical testing. Allele origin: germline.

Literature cited by the submitters: PubMed 25425582 (cited by Color Diagnostics, LLC DBA Color Health and Ambry Genetics).

NM_020975.6(RET):c.1462A>T (p.Thr488Ser)

Gene: RET (ret proto-oncogene; plus strand). Cytogenetic location: 10q11.21.
Variant type: single nucleotide variant.
Coding change: c.1462A>T on transcript NM_020975.6 (MANE Select); coding-DNA position 1462, A replaced by T.
Protein change: p.Thr488Ser; replaces threonine 488 with serine.
Molecular consequence: missense variant.
Genome position (GRCh38, 1-based): chr10:43,111,405, A>T. VCF-style: chr10-43111405-A-T. GRCh37 (hg19) VCF-style: chr10-43606853-A-T.
Other names: c.1462A>T, p.Thr488Ser (NM_000323.2, NM_001406743.1, NM_001406744.1 and 6 more transcripts); c.700A>T, p.Thr234Ser (NM_001355216.2); c.1333A>T, p.Thr445Ser (NM_001406761.1, NM_001406762.1, NM_001406764.1 and 1 more transcripts); c.1174A>T, p.Thr392Ser (NM_001406766.1, NM_001406767.1, NM_001406770.1); c.1066A>T, p.Thr356Ser (NM_001406769.1, NM_001406772.1); c.1024A>T, p.Thr342Ser (NM_001406771.1, NM_001406773.1); c.937A>T, p.Thr313Ser (NM_001406774.1); c.736A>T, p.Thr246Ser (NM_001406775.1, NM_001406776.1, NM_001406777.1 and 1 more transcripts); and 1 more; short protein forms T488S, T234S, T246S, T313S, T342S, T392S, T445S, T158S.
Identifiers: ClinVar variation 241336 (VCV000241336.28), dbSNP rs753733901, ClinGen allele CA033750.
Genomic context (GRCh38, chr10:43,111,405, plus strand): 5'-AATGACACCAAGGCCCTGCGGCGGCCCAAGTGTGCCGAACTTCACTACATGGTGGTGGCC[A>T]CCGACCAGCAGACCTCTAGGCAGGCCCAGGCCCAGCTGCTTGTAACAGTGGAGGGGTCAT-3'
Protein context (NP_066124.1, residues 478-498): CAELHYMVVA[Thr488Ser]DQQTSRQAQA